The following is an entry in ClinVar:

ClinVar aggregate classification (germline): Uncertain significance (1 of 4 stars; one submission).

Submission:

Labcorp Genetics (formerly Invitae), Labcorp
Classification: Uncertain significance. Last evaluated: 2021-12-02. Review status: criteria provided, single submitter. Criteria: Invitae Variant Classification Sherloc (09022015). Collection method: clinical testing. Allele origin: germline.
Comment: In summary, the available evidence is currently insufficient to determine the role of this variant in disease. Therefore, it has been classified as a Variant of Uncertain Significance. Advanced modeling of protein sequence and biophysical properties (such as structural, functional, and spatial information, amino acid conservation, physicochemical variation, residue mobility, and thermodynamic stability) performed at Invitae indicates that this missense variant is not expected to disrupt CSF1R protein function. This variant has not been reported in the literature in individuals affected with CSF1R-related conditions. This variant is not present in population databases (gnomAD no frequency). This sequence change replaces glutamic acid, which is acidic and polar, with glycine, which is neutral and non-polar, at codon 119 of the CSF1R protein (p.Glu119Gly).

NM_001288705.3(CSF1R):c.356A>G (p.Glu119Gly)

Gene: CSF1R (colony stimulating factor 1 receptor; minus strand). Cytogenetic location: 5q32.
Variant type: single nucleotide variant.
Coding change: c.356A>G on transcript NM_001288705.3 (MANE Select); coding-DNA position 356, A replaced by G.
Protein change: p.Glu119Gly; replaces glutamic acid 119 with glycine.
Molecular consequence: missense variant. On other transcripts: 5 prime UTR variant (1), non-coding transcript variant (2).
Genome position (GRCh38, 1-based): chr5:150,080,288, T>C on the plus strand (A>G on the coding strand, the complement: CSF1R is on the minus strand). VCF-style: chr5-150080288-T-C. GRCh37 (hg19) VCF-style: chr5-149459851-T-C.
Other names: c.356A>G, p.Glu119Gly (NM_001349736.2, NM_001375320.1, NM_005211.4); c.-89A>G (NM_001375321.1); short protein forms E119G.
Identifiers: ClinVar variation 1493194 (VCV001493194.6), dbSNP rs2113831546, ClinGen allele CA361734647.